The following is an entry in ClinVar:

NM_194277.3(FRMD7):c.567C>G (p.Ile189Met)

Gene: FRMD7 (FERM domain containing 7; minus strand). Cytogenetic location: Xq26.2.
Variant type: single nucleotide variant.
Coding change: c.567C>G on transcript NM_194277.3 (MANE Select); coding-DNA position 567, C replaced by G.
Protein change: p.Ile189Met; replaces isoleucine 189 with methionine.
Molecular consequence: missense variant.
Genome position (GRCh38, 1-based): chrX:132,085,659, G>C on the plus strand (C>G on the coding strand, the complement: FRMD7 is on the minus strand). VCF-style: chrX-132085659-G-C. GRCh37 (hg19) VCF-style: chrX-131219687-G-C.
Other names: c.522C>G, p.Ile174Met (NM_001306193.2); short protein forms I189M, I174M.
Identifiers: ClinVar variation 2977493 (VCV002977493.4), dbSNP rs1331177695, ClinGen allele CA414681104.

ClinVar aggregate classification (germline): Uncertain significance. Review status: criteria provided, multiple submitters, no conflicts (2 of 4 stars). 2 submissions from 2 submitters: Uncertain significance (2). Last evaluated 2024-09-26.

Conditions:
Inborn genetic diseases. Identifiers: MedGen C0950123, MeSH D030342.

Allele frequency attached by ClinVar (database versions not stated): TOPMed 0.00001; gnomAD 0.00002; gnomAD exomes 0.00002.
gnomAD v4.1: 26 of 1,207,273 alleles (0.0022%); highest among the groups gnomAD compares: Admixed American, 0.0044%; no homozygotes.

Submissions (2):

Ambry Genetics
Classification: Uncertain significance for Inborn genetic diseases. Last evaluated: 2024-09-26. Review status: criteria provided, single submitter. Criteria: Ambry Variant Classification Scheme 2023. Collection method: clinical testing. Allele origin: germline.

Labcorp Genetics (formerly Invitae), Labcorp
Classification: Uncertain significance. Last evaluated: 2023-01-05. Review status: criteria provided, single submitter. Criteria: Invitae Variant Classification Sherloc (09022015). Collection method: clinical testing. Allele origin: germline.
Comment: In summary, the available evidence is currently insufficient to determine the role of this variant in disease. Therefore, it has been classified as a Variant of Uncertain Significance. This variant is present in population databases (no rsID available, gnomAD 0.008%), including at least one homozygous and/or hemizygous individual. Algorithms developed to predict the effect of missense changes on protein structure and function are either unavailable or do not agree on the potential impact of this missense change (SIFT: "Tolerated"; PolyPhen-2: "Probably Damaging"; Align-GVGD: "Class C0"). This variant has not been reported in the literature in individuals affected with FRMD7-related conditions. This sequence change replaces isoleucine, which is neutral and non-polar, with methionine, which is neutral and non-polar, at codon 189 of the FRMD7 protein (p.Ile189Met).